The following is an entry in ClinVar:

NM_001370466.1(NOD2):c.2087C>T (p.Pro696Leu)

Gene: NOD2 (nucleotide binding oligomerization domain containing 2; plus strand). Cytogenetic location: 16q12.1.
Variant type: single nucleotide variant.
Coding change: c.2087C>T on transcript NM_001370466.1 (MANE Select); coding-DNA position 2087, C replaced by T.
Protein change: p.Pro696Leu; replaces proline 696 with leucine.
Molecular consequence: missense variant. On other transcripts: non-coding transcript variant (1).
Genome position (GRCh38, 1-based): chr16:50,712,079, C>T. VCF-style: chr16-50712079-C-T. GRCh37 (hg19) VCF-style: chr16-50745990-C-T.
Other names: c.2087C>T, p.Pro696Leu (NM_001293557.2); c.2168C>T, p.Pro723Leu (NM_022162.3); short protein forms P723L, P696L.
Identifiers: ClinVar variation 650404 (VCV000650404.25), dbSNP rs201076024, ClinGen allele CA8051712.

ClinVar aggregate classification (germline): Conflicting classifications of pathogenicity. Review status: criteria provided, conflicting classifications (1 of 4 stars). 8 submissions from 7 submitters: Uncertain significance (3); Benign (1); Likely benign (1). 3 of the submissions do not count toward it. Last evaluated 2025-11-19.

Conditions:
Regional enteritis. Also called: Enteritis, Granulomatous. Identifiers: MedGen C0678202, MeSH D003424.
Blau syndrome (BLAUS). Also called: JABS SYNDROME; ARTHROCUTANEOUVEAL GRANULOMATOSIS; GRANULOMATOSIS, FAMILIAL JUVENILE SYSTEMIC; GRANULOMATOSIS, FAMILIAL, BLAU TYPE; GRANULOMATOUS INFLAMMATORY ARTHRITIS, DERMATITIS, AND UVEITIS, FAMILIAL. Identifiers: Orphanet 90340, MedGen C5201146, MONDO:0008523, OMIM 186580.
NOD2-related disorder. Also called: NOD2-related condition.
Inborn genetic diseases. Identifiers: MedGen C0950123, MeSH D030342.
Autoinflammatory syndrome. Identifiers: Orphanet 93665, MedGen C3890737, MONDO:0019751.
Inflammatory bowel disease 1 (IBD1). Also called: Inflammatory bowel disease 1, Crohn disease; INFLAMMATORY BOWEL DISEASE (CROHN DISEASE) 1. Identifiers: MedGen CN260071, MONDO:0009960, OMIM 266600.

Allele frequency attached by ClinVar (database versions not stated): gnomAD 0.00011; gnomAD exomes 0.00011 and 0.00015; TOPMed 0.00011; ExAC 0.00014; ESP Exome Variant Server 0.00015; 1000 Genomes Project 30x 0.00016; 1000 Genomes Project 0.00020.
gnomAD v4.1: 245 of 1,613,700 alleles (0.015%); highest among the groups gnomAD compares: East Asian, 0.051%; no homozygotes.

Submissions (8):

Labcorp Genetics (formerly Invitae), Labcorp
Classification: Likely benign for Regional enteritis; Blau syndrome. Last evaluated: 2025-11-19. Review status: criteria provided, single submitter. Criteria: Invitae Variant Classification Sherloc (09022015). Collection method: clinical testing. Allele origin: germline.

Ambry Genetics
Classification: Uncertain significance for Inborn genetic diseases. Last evaluated: 2021-08-23. Review status: criteria provided, single submitter. Criteria: Ambry Variant Classification Scheme 2023. Collection method: clinical testing. Allele origin: germline.

Genome Diagnostics Laboratory, The Hospital for Sick Children
Classification: Uncertain significance for Autoinflammatory syndrome. Last evaluated: 2020-03-01. Review status: criteria provided, single submitter. Criteria: ACMG Guidelines, 2015. Collection method: clinical testing. Allele origin: germline. Affected: yes.

Illumina Laboratory Services, Illumina
Classification: Benign for Blau syndrome. Last evaluated: 2018-01-12. Review status: criteria provided, single submitter. Criteria: ICSL Variant Classification Criteria 13 December 2019. Collection method: clinical testing. Allele origin: germline.
Comment: This variant was observed in the ICSL laboratory as part of a predisposition screen in an ostensibly healthy population. It had not been previously curated by ICSL or reported in the Human Gene Mutation Database (HGMD: prior to June 1st, 2018), and was therefore a candidate for classification through an automated scoring system. Utilizing variant allele frequency, disease prevalence and penetrance estimates, and inheritance mode, an automated score was calculated to assess if this variant is too frequent to cause the disease. Based on the score and internal cut-off values, a variant classified as benign is not then subjected to further curation. The score for this variant resulted in a classification of benign for this disease.

Illumina Laboratory Services, Illumina
Classification: Uncertain significance for Inflammatory bowel disease 1. Last evaluated: 2018-01-12. Review status: criteria provided, single submitter. Criteria: ICSL Variant Classification Criteria 13 December 2019. Collection method: clinical testing. Allele origin: germline.

PreventionGenetics, part of Exact Sciences
Classification: Uncertain significance for NOD2-related condition. Last evaluated: 2024-01-16. Review status: no assertion criteria provided. Collection method: clinical testing. Allele origin: germline. Not counted in ClinVar's aggregate classification.
Comment: The NOD2 c.2168C>T variant is predicted to result in the amino acid substitution p.Pro723Leu. To our knowledge, this variant has not been reported in the literature. This variant is reported in 0.055% of alleles in individuals of East Asian descent in gnomAD. Although we suspect that this variant may be benign, at this time, the clinical significance of this variant is uncertain due to the absence of conclusive functional and genetic evidence.

Clinical Genetics DNA and cytogenetics Diagnostics Lab, Erasmus MC, Erasmus Medical Center
Classification: Uncertain significance. Review status: no assertion criteria provided. Collection method: clinical testing. Allele origin: germline. Affected: yes. Study: VKGL Data-share Consensus. Not counted in ClinVar's aggregate classification.

Diagnostic Laboratory, Department of Genetics, University Medical Center Groningen
Classification: Uncertain significance. Review status: no assertion criteria provided. Collection method: clinical testing. Allele origin: germline. Affected: yes. Study: VKGL Data-share Consensus. Not counted in ClinVar's aggregate classification.